The following is an entry in ClinVar:

NM_194318.4(B3GLCT):c.28C>T (p.Leu10Phe)

Genes: B3GLCT (beta 3-glucosyltransferase; plus strand), LOC130009514 (ATAC-STARR-seq lymphoblastoid silent region 5240; plus strand). Cytogenetic location: 13q12.3.
Variant type: single nucleotide variant.
Coding change: c.28C>T on transcript NM_194318.4 (MANE Select); coding-DNA position 28, C replaced by T.
Protein change: p.Leu10Phe; replaces leucine 10 with phenylalanine.
Molecular consequence: missense variant.
Genome position (GRCh38, 1-based): chr13:31,200,112, C>T. VCF-style: chr13-31200112-C-T. GRCh37 (hg19) VCF-style: chr13-31774249-C-T.
Other names: short protein forms L10F.
Identifiers: ClinVar variation 1493053 (VCV001493053.6), dbSNP rs1868555206, ClinGen allele CA387722264.

ClinVar aggregate classification (germline): Uncertain significance (1 of 4 stars; one submission).

Conditions:
Peters plus syndrome. Also called: KRAUSE-KIVLIN SYNDROME. Identifiers: Orphanet 709, MedGen C0796012, MONDO:0009856, OMIM 261540.

Allele frequency attached by ClinVar (database versions not stated): gnomAD 0.00001.

Submission:

Labcorp Genetics (formerly Invitae), Labcorp
Classification: Uncertain significance for Peters plus syndrome. Last evaluated: 2022-09-07. Review status: criteria provided, single submitter. Criteria: Invitae Variant Classification Sherloc (09022015). Collection method: clinical testing. Allele origin: germline.
Comment: In summary, the available evidence is currently insufficient to determine the role of this variant in disease. Therefore, it has been classified as a Variant of Uncertain Significance. Algorithms developed to predict the effect of missense changes on protein structure and function (SIFT, PolyPhen-2, Align-GVGD) all suggest that this variant is likely to be tolerated. ClinVar contains an entry for this variant (Variation ID: 1493053). This variant has not been reported in the literature in individuals affected with B3GLCT-related conditions. This variant is not present in population databases (gnomAD no frequency). This sequence change replaces leucine, which is neutral and non-polar, with phenylalanine, which is neutral and non-polar, at codon 10 of the B3GLCT protein (p.Leu10Phe).